The following is an entry in ClinVar:

NM_000540.3(RYR1):c.3556+67C>T

Gene: RYR1 (ryanodine receptor 1; plus strand). Cytogenetic location: 19q13.2.
Variant type: single nucleotide variant.
Coding change: c.3556+67C>T on transcript NM_000540.3 (MANE Select); 67 bases into the intron after coding-DNA position 3556, C replaced by T.
Molecular consequence: intron variant.
Genome position (GRCh38, 1-based): chr19:38,469,207, C>T. VCF-style: chr19-38469207-C-T. GRCh37 (hg19) VCF-style: chr19-38959847-C-T.
Other names: c.3556+67C>T (NM_001042723.2).
Identifiers: ClinVar variation 673151 (VCV000673151.1), dbSNP rs115751347, ClinGen allele CA308077919.

ClinVar aggregate classification (germline): Likely benign (1 of 4 stars; one submission).

Allele frequency attached by ClinVar (database versions not stated): gnomAD 0.01173 and 0.01254; TOPMed 0.01408; 1000 Genomes Project 0.01637; 1000 Genomes Project 30x 0.01796.
gnomAD v4.1: 3,721 of 1,607,650 alleles (0.23%); highest among the groups gnomAD compares: African/African-American, 4.2%; 97 homozygotes.

Submission:

GeneDx
Classification: Likely benign. Last evaluated: 2018-06-16. Review status: criteria provided, single submitter. Criteria: GeneDx Variant Classification (06012015). Collection method: clinical testing. Allele origin: germline. Affected: yes.
Comment: This variant is considered likely benign or benign based on one or more of the following criteria: it is a conservative change, it occurs at a poorly conserved position in the protein, it is predicted to be benign by multiple in silico algorithms, and/or has population frequency not consistent with disease.